The following is an entry in ClinVar:

ClinVar aggregate classification (germline): Pathogenic (1 of 4 stars; one submission).

Conditions:
Neurofibromatosis, type 1 (NF1). Also called: VON RECKLINGHAUSEN DISEASE; Neurofibromatosis, type I; NEUROFIBROMATOSIS, TYPE I, SOMATIC; Peripheral type neurofibromatosis. Identifiers: Orphanet 636, MedGen C0027831, MONDO:0018975, OMIM 162200. Disease mechanism: loss of function.

Submission:

Labcorp Genetics (formerly Invitae), Labcorp
Classification: Pathogenic for Neurofibromatosis, type 1. Last evaluated: 2023-09-27. Review status: criteria provided, single submitter. Criteria: Invitae Variant Classification Sherloc (09022015). Collection method: clinical testing. Allele origin: germline.
Comment: This sequence change creates a premature translational stop signal (p.Ser1386Metfs*21) in the NF1 gene. It is expected to result in an absent or disrupted protein product. Loss-of-function variants in NF1 are known to be pathogenic (PMID: 10712197, 23913538). This variant is not present in population databases (gnomAD no frequency). This variant has not been reported in the literature in individuals affected with NF1-related conditions. For these reasons, this variant has been classified as Pathogenic.

Literature cited by the submitters: PubMed 10712197; PubMed 23913538.

NM_001042492.3(NF1):c.4220del (p.Ser1407fs)

Gene: NF1 (neurofibromin 1; plus strand). Cytogenetic location: 17q11.2.
Variant type: Deletion.
Coding change: c.4220del on transcript NM_001042492.3 (MANE Select); coding-DNA position 4220, one base deleted (G; older notation c.4220delG).
Protein change: p.Ser1407fs; shifts the reading frame from serine 1407.
Molecular consequence: frameshift variant.
Genome position (GRCh38, 1-based): chr17:31,258,390, G deleted. VCF-style (leftmost placement, unchanged base first): chr17-31258389-AG-A. GRCh37 (hg19) VCF-style: chr17-29585407-AG-A.
Other names: c.4157delG, p.Ser1386Metfs (NM_000267.4); short protein forms S1407fs, S1386fs.
Identifiers: ClinVar variation 2763879 (VCV002763879.3), dbSNP rs2508408259, ClinGen allele CA2697559739.
Genomic context (GRCh38, chr17:31,258,389, plus strand): 5'-ACTCCTTGTTTTTAGGTGGTTAGCCAGCGTTTCCCTCAGAACAGCATCGGTGCAGTAGGA[AG>A]TGCCATGTTCCTCAGATTTATCAATCCTGCCATTGTCTCACCGTATGAAGCAGGGATTTT-3'